The following is an entry in ClinVar:

NM_007078.3(LDB3):c.1041C>T (p.Ser347=)

Gene: LDB3 (LIM domain binding 3; plus strand). Cytogenetic location: 10q23.2.
Variant type: single nucleotide variant.
Coding change: c.1041C>T on transcript NM_007078.3 (MANE Select); coding-DNA position 1041, C replaced by T.
Protein change: p.Ser347=; no amino-acid change (serine 347 retained).
Molecular consequence: synonymous variant. On other transcripts: intron variant (4).
Genome position (GRCh38, 1-based): chr10:86,706,675, C>T. VCF-style: chr10-86706675-C-T. GRCh37 (hg19) VCF-style: chr10-88466432-C-T.
Other names: c.900C>T, p.Ser300= (NM_001368066.1); c.897-3230C>T (NM_001368064.1, NM_001368065.1); c.1101-3230C>T (NM_001171610.2); c.756-3230C>T (NM_001080114.2).
Identifiers: ClinVar variation 45510 (VCV000045510.17), dbSNP rs45555240, ClinGen allele CA136477.

ClinVar aggregate classification (germline): Likely benign. Review status: criteria provided, multiple submitters, no conflicts (2 of 4 stars). 5 submissions from 5 submitters: Likely benign (5). Last evaluated 2026-01-19.

Conditions:
Cardiovascular phenotype. Identifiers: MedGen CN230736.
Myofibrillar myopathy 4. Also called: Zaspopathy (type). Identifiers: Orphanet 98912, MedGen C4721886, MONDO:0012277, OMIM 609452.

Allele frequency attached by ClinVar (database versions not stated): TOPMed 0.00003.
gnomAD v4.1: 153 of 1,612,916 alleles (0.0095%); highest among the groups gnomAD compares: Non-Finnish European, 0.011%; no homozygotes.

Submissions (5):

Labcorp Genetics (formerly Invitae), Labcorp
Classification: Likely benign for Myofibrillar myopathy 4. Last evaluated: 2026-01-19. Review status: criteria provided, single submitter. Criteria: Invitae Variant Classification Sherloc (09022015). Collection method: clinical testing. Allele origin: germline.

Blueprint Genetics
Classification: Likely benign. Last evaluated: 2024-07-04. Review status: criteria provided, single submitter. Criteria: ACMG Guidelines, 2015. Collection method: clinical testing. Allele origin: germline.

Ambry Genetics
Classification: Likely benign for Cardiovascular phenotype. Last evaluated: 2021-12-08. Review status: criteria provided, single submitter. Criteria: Ambry Variant Classification Scheme 2023. Collection method: clinical testing. Allele origin: germline.

GeneDx
Classification: Likely benign. Last evaluated: 2018-05-11. Review status: criteria provided, single submitter. Criteria: GeneDx Variant Classification (06012015). Collection method: clinical testing. Allele origin: germline. Affected: yes.
Comment: This variant is considered likely benign or benign based on one or more of the following criteria: it is a conservative change, it occurs at a poorly conserved position in the protein, it is predicted to be benign by multiple in silico algorithms, and/or has population frequency not consistent with disease.

Laboratory for Molecular Medicine, Mass General Brigham Personalized Medicine
Classification: Likely benign. Last evaluated: 2017-03-30. Review status: criteria provided, single submitter. Criteria: LMM Criteria. Collection method: clinical testing. Allele origin: germline. Observed: 3 variant alleles.
Comment: p.Ser347Ser in exon 10 of LDB3: This variant is not expected to have clinical si gnificance because it does not alter an amino acid residue and is not located wi thin the splice consensus sequence. It has been identified in 5/16408 South Asia n chromosomes by the Exome Aggregation Consortium (ExAC; dbSNP rs45555240).